The following is an entry in ClinVar:

NM_015311.3(OBSL1):c.4024G>A (p.Asp1342Asn)

Gene: OBSL1 (obscurin like cytoskeletal adaptor 1; minus strand). Cytogenetic location: 2q35.
Variant type: single nucleotide variant.
Coding change: c.4024G>A on transcript NM_015311.3 (MANE Select); coding-DNA position 4024, G replaced by A.
Protein change: p.Asp1342Asn; replaces aspartic acid 1342 with asparagine.
Molecular consequence: missense variant.
Genome position (GRCh38, 1-based): chr2:219,557,385, C>T on the plus strand (G>A on the coding strand, the complement: OBSL1 is on the minus strand). VCF-style: chr2-219557385-C-T. GRCh37 (hg19) VCF-style: chr2-220422107-C-T.
Other names: c.4024G>A, p.Asp1342Asn (NM_001173431.2); short protein forms D1342N.
Identifiers: ClinVar variation 334488 (VCV000334488.14), dbSNP rs557890380, ClinGen allele CA2130692.

ClinVar aggregate classification (germline): Likely benign. Review status: criteria provided, multiple submitters, no conflicts (2 of 4 stars). 3 submissions from 3 submitters: Likely benign (2). 1 of the submissions does not count toward it. Last evaluated 2026-01-09.

Conditions:
OBSL1-related disorder. Also called: OBSL1-related condition.
3M syndrome 2. Also called: 3-M Syndrome, OBSL1-Related; THREE M SYNDROME 2. Identifiers: Orphanet 2616, MedGen C2752041, MONDO:0013039, OMIM 612921.

Allele frequency attached by ClinVar (database versions not stated): gnomAD below 0.00001 and 0.00006; 1000 Genomes Project 30x 0.00031; gnomAD exomes 0.00031 and 0.00014; TOPMed 0.00003; 1000 Genomes Project 0.00020.

Submissions (3):

Labcorp Genetics (formerly Invitae), Labcorp
Classification: Likely benign. Last evaluated: 2026-01-09. Review status: criteria provided, single submitter. Criteria: Invitae Variant Classification Sherloc (09022015). Collection method: clinical testing. Allele origin: germline.

Illumina Laboratory Services, Illumina
Classification: Likely benign for 3M syndrome 2. Last evaluated: 2018-01-13. Review status: criteria provided, single submitter. Criteria: ICSL Variant Classification Criteria 13 December 2019. Collection method: clinical testing. Allele origin: germline.
Comment: This variant was observed in the ICSL laboratory as part of a predisposition screen in an ostensibly healthy population. It had not been previously curated by ICSL or reported in the Human Gene Mutation Database (HGMD: prior to June 1st, 2018), and was therefore a candidate for classification through an automated scoring system. Utilizing variant allele frequency, disease prevalence and penetrance estimates, and inheritance mode, an automated score was calculated to assess if this variant is too frequent to cause the disease. Based on the score and internal cut-off values, a variant classified as likely benign is not then subjected to further curation. The score for this variant resulted in a classification of likely benign for this disease.

PreventionGenetics, part of Exact Sciences
Classification: Likely benign for OBSL1-related condition. Last evaluated: 2023-01-24. Review status: no assertion criteria provided. Collection method: clinical testing. Allele origin: germline. Not counted in ClinVar's aggregate classification.
Comment: This variant is classified as likely benign based on ACMG/AMP sequence variant interpretation guidelines (Richards et al. 2015 PMID: 25741868, with internal and published modifications).